The following is an entry in ClinVar:

NM_020631.6(PLEKHG5):c.2956G>A (p.Ala986Thr)

Gene: PLEKHG5 (pleckstrin homology and RhoGEF domain containing G5; minus strand). Cytogenetic location: 1p36.31.
Variant type: single nucleotide variant.
Coding change: c.2956G>A on transcript NM_020631.6 (MANE Select); coding-DNA position 2956, G replaced by A.
Protein change: p.Ala986Thr; replaces alanine 986 with threonine.
Molecular consequence: missense variant.
Genome position (GRCh38, 1-based): chr1:6,467,880, C>T on the plus strand (G>A on the coding strand, the complement: PLEKHG5 is on the minus strand). VCF-style: chr1-6467880-C-T. GRCh37 (hg19) VCF-style: chr1-6527940-C-T.
Other names: c.3067G>A, p.Ala1023Thr (NM_001042663.3, NM_001265592.2); c.2956G>A, p.Ala986Thr (NM_001042664.2, NM_001042665.2, NM_198681.4); c.3163G>A, p.Ala1055Thr (NM_001265593.2); c.2756G>A, p.Gly919Asp (NM_001265594.3); short protein forms A1023T, A1055T, G919D, A986T.
Identifiers: ClinVar variation 2947704 (VCV002947704.3), dbSNP rs2523102567, ClinGen allele CA338113655.

ClinVar aggregate classification (germline): Uncertain significance (1 of 4 stars; one submission).

Conditions:
Charcot-Marie-Tooth disease recessive intermediate C. Also called: CHARCOT-MARIE-TOOTH NEUROPATHY, RECESSIVE INTERMEDIATE C. Identifiers: Orphanet 369867, MedGen C3809309, MONDO:0014154, OMIM 615376.
Neuronopathy, distal hereditary motor, autosomal recessive 4. Also called: Autosomal recessive lower motor neuron disease with childhood onset; NEUROPATHY, DISTAL HEREDITARY MOTOR, AUTOSOMAL RECESSIVE 4. Identifiers: Orphanet 206580, MedGen C1970211, MONDO:0012608, OMIM 611067.

Allele frequency attached by ClinVar (database versions not stated): gnomAD exomes below 0.00001.

Submission:

Labcorp Genetics (formerly Invitae), Labcorp
Classification: Uncertain significance for Neuronopathy, distal hereditary motor, autosomal recessive 4; Charcot-Marie-Tooth disease recessive intermediate C. Last evaluated: 2023-05-13. Review status: criteria provided, single submitter. Criteria: Invitae Variant Classification Sherloc (09022015). Collection method: clinical testing. Allele origin: germline.
Comment: In summary, the available evidence is currently insufficient to determine the role of this variant in disease. Therefore, it has been classified as a Variant of Uncertain Significance. Algorithms developed to predict the effect of missense changes on protein structure and function output the following: SIFT: "Not Available"; PolyPhen-2: "Benign"; Align-GVGD: "Not Available". The threonine amino acid residue is found in multiple mammalian species, which suggests that this missense change does not adversely affect protein function. This variant has not been reported in the literature in individuals affected with PLEKHG5-related conditions. This variant is not present in population databases (gnomAD no frequency). This sequence change replaces alanine, which is neutral and non-polar, with threonine, which is neutral and polar, at codon 986 of the PLEKHG5 protein (p.Ala986Thr).